The following is an entry in ClinVar:

ClinVar aggregate classification (germline): Likely pathogenic (1 of 4 stars; one submission).

Submission:

Labcorp Genetics (formerly Invitae), Labcorp
Classification: Likely pathogenic. Last evaluated: 2023-04-28. Review status: criteria provided, single submitter. Criteria: Invitae Variant Classification Sherloc (09022015). Collection method: clinical testing. Allele origin: germline.
Comment: This sequence change affects an acceptor splice site in intron 3 of the LZTR1 gene. It is expected to disrupt RNA splicing. Variants that disrupt the donor or acceptor splice site typically lead to a loss of protein function (PMID: 16199547), and loss-of-function variants in LZTR1 are known to be pathogenic (PMID: 24362817, 25335493, 25480913, 25795793, 29469822, 30368668, 30442762, 30442766, 30481304, 30859559). This variant is not present in population databases (gnomAD no frequency). Disruption of this splice site has been observed in individual(s) with schwannomatosis (PMID: 25008767). Algorithms developed to predict the effect of sequence changes on RNA splicing suggest that this variant may disrupt the consensus splice site. In summary, the currently available evidence indicates that the variant is pathogenic, but additional data are needed to prove that conclusively. Therefore, this variant has been classified as Likely Pathogenic.

Literature cited by the submitters: PubMed 16199547; PubMed 24362817; PubMed 25335493; PubMed 25480913; PubMed 25795793; PubMed 29469822; PubMed 30368668; PubMed 30442762; PubMed 30442766; PubMed 30481304; PubMed 30859559; PubMed 25008767.

NM_006767.4(LZTR1):c.321-2A>G

Gene: LZTR1 (leucine zipper like post translational regulator 1; plus strand). Cytogenetic location: 22q11.21.
Variant type: single nucleotide variant.
Coding change: c.321-2A>G on transcript NM_006767.4 (MANE Select); the canonical splice acceptor site of the intron before coding-DNA position 321, A replaced by G.
Molecular consequence: splice acceptor variant.
Genome position (GRCh38, 1-based): chr22:20,987,502, A>G. VCF-style: chr22-20987502-A-G. GRCh37 (hg19) VCF-style: chr22-21341791-A-G.
Identifiers: ClinVar variation 2885291 (VCV002885291.3), dbSNP rs1924435164, ClinGen allele CA410779211.